The following is an entry in ClinVar:

NM_005996.4(TBX3):c.*739A>G

Gene: TBX3 (T-box transcription factor 3; minus strand). Cytogenetic location: 12q24.21.
Variant type: single nucleotide variant.
Coding change: c.*739A>G on transcript NM_005996.4 (MANE Select); 739 bases downstream of the stop codon, A replaced by G.
Molecular consequence: 3 prime UTR variant.
Genome position (GRCh38, 1-based): chr12:114,671,102, T>C on the plus strand (A>G on the coding strand, the complement: TBX3 is on the minus strand). VCF-style: chr12-114671102-T-C. GRCh37 (hg19) VCF-style: chr12-115108907-T-C.
Other names: c.*739A>G (NM_016569.4).
Identifiers: ClinVar variation 307336 (VCV000307336.6), dbSNP rs8853, ClinGen allele CA10636559.

ClinVar aggregate classification (germline): Benign. Review status: criteria provided, multiple submitters, no conflicts (2 of 4 stars). 2 submissions from 2 submitters: Benign (2). Last evaluated 2018-01-13.

Conditions:
Ulnar-mammary syndrome (UMS). Also called: SCHINZEL SYNDROME; Ulnar-mammary syndrome of Pallister; PALLISTER ULNAR-MAMMARY SYNDROME. Identifiers: Orphanet 3138, MedGen C1866994, MONDO:0008411, OMIM 181450.

Allele frequency attached by ClinVar (database versions not stated): gnomAD exomes 0.48389; 1000 Genomes Project 0.49581; 1000 Genomes Project 30x 0.50500; gnomAD 0.51299 and 0.51729; TOPMed 0.51447.
gnomAD v4.1: 105,161 of 208,480 alleles (50%); highest among the groups gnomAD compares: African/African-American, 63%; 27,209 homozygotes.

Submissions (2):

Illumina Laboratory Services, Illumina
Classification: Benign for Ulnar-mammary syndrome. Last evaluated: 2018-01-13. Review status: criteria provided, single submitter. Criteria: ICSL Variant Classification Criteria 13 December 2019. Collection method: clinical testing. Allele origin: germline.
Comment: This variant was observed in the ICSL laboratory as part of a predisposition screen in an ostensibly healthy population. It had not been previously curated by ICSL or reported in the Human Gene Mutation Database (HGMD: prior to June 1st, 2018), and was therefore a candidate for classification through an automated scoring system. Utilizing variant allele frequency, disease prevalence and penetrance estimates, and inheritance mode, an automated score was calculated to assess if this variant is too frequent to cause the disease. Based on the score and internal cut-off values, a variant classified as benign is not then subjected to further curation. The score for this variant resulted in a classification of benign for this disease.

Breakthrough Genomics
Classification: Benign. Review status: criteria provided, single submitter. Criteria: ACMG Guidelines, 2015. Collection method: not provided. Allele origin: germline. Inheritance: Autosomal dominant inheritance. Affected: yes.